The following is an entry in ClinVar:

NM_022089.4(ATP13A2):c.2859G>A (p.Thr953=)

Gene: ATP13A2 (ATPase cation transporting 13A2; minus strand). Cytogenetic location: 1p36.13.
Variant type: single nucleotide variant.
Coding change: c.2859G>A on transcript NM_022089.4 (MANE Select); coding-DNA position 2859, G replaced by A.
Protein change: p.Thr953=; no amino-acid change (threonine 953 retained).
Molecular consequence: synonymous variant.
Genome position (GRCh38, 1-based): chr1:16,988,138, C>T on the plus strand (G>A on the coding strand, the complement: ATP13A2 is on the minus strand). VCF-style: chr1-16988138-C-T. GRCh37 (hg19) VCF-style: chr1-17314633-C-T.
Other names: c.2844G>A, p.Thr948= (NM_001141973.3); c.2727G>A, p.Thr909= (NM_001141974.3).
Identifiers: ClinVar variation 210381 (VCV000210381.63), dbSNP rs144557304, ClinGen allele CA205846.

ClinVar aggregate classification (germline): Conflicting classifications of pathogenicity. Review status: criteria provided, conflicting classifications (1 of 4 stars). 11 submissions from 11 submitters: Uncertain significance (5); Benign (1); Likely benign (4). 1 of the submissions does not count toward it. Last evaluated 2026-07-01.

Conditions:
ATP13A2-related disorder. Also called: ATP13A2-related disorders; ATP13A2-related condition.
Inborn genetic diseases. Identifiers: MedGen C0950123, MeSH D030342.
Kufor-Rakeb syndrome (KRS). Also called: PARKINSON DISEASE 9, AUTOSOMAL RECESSIVE, JUVENILE-ONSET. Identifiers: Orphanet 306674, Orphanet 314632, MedGen C1847640, MONDO:0011706, OMIM 606693.
Autosomal recessive spastic paraplegia type 78. Identifiers: Orphanet 513436, MedGen C5567893, MONDO:0014975, OMIM 617225.

Allele frequency attached by ClinVar (database versions not stated): 1000 Genomes Project 30x 0.00031; ESP Exome Variant Server 0.00038; 1000 Genomes Project 0.00040; TOPMed 0.00051; ExAC 0.00107; gnomAD 0.00127.
gnomAD v4.1: 1,315 of 1,613,308 alleles (0.082%); highest among the groups gnomAD compares: Non-Finnish European, 0.076%; 2 homozygotes.

Submissions (15):

CeGaT Center for Human Genetics Tuebingen
Classification: Likely benign. Last evaluated: 2026-07-01. Review status: criteria provided, single submitter. Criteria: CeGaT Center For Human Genetics Tuebingen Variant Classification Criteria Version 2. Collection method: clinical testing. Allele origin: germline. Affected: yes. Observed: 14 variant alleles.
Comment: ATP13A2: BP4, BP7

Labcorp Genetics (formerly Invitae), Labcorp
Classification: Benign for Kufor-Rakeb syndrome; Autosomal recessive spastic paraplegia type 78. Last evaluated: 2026-01-19. Review status: criteria provided, single submitter. Criteria: Invitae Variant Classification Sherloc (09022015). Collection method: clinical testing. Allele origin: germline.

Blueprint Genetics
Classification: Likely benign. Last evaluated: 2024-10-23. Review status: criteria provided, single submitter. Criteria: ACMG Guidelines, 2015. Collection method: clinical testing. Allele origin: germline.

GeneDx
Classification: Likely benign. Last evaluated: 2020-07-15. Review status: criteria provided, single submitter. Criteria: GeneDx Variant Classification Process June 2021. Collection method: clinical testing. Allele origin: germline. Affected: yes.

Mayo Clinic Laboratories, Mayo Clinic
Classification: Uncertain significance. Last evaluated: 2019-11-11. Review status: criteria provided, single submitter. Criteria: ACMG Guidelines, 2015. Collection method: clinical testing. Allele origin: germline. Observed: 1 variant allele.

Institute of Human Genetics, University of Leipzig Medical Center
Classification: Uncertain significance for Kufor-Rakeb syndrome. Last evaluated: 2019-01-01. Review status: criteria provided, single submitter. Criteria: ACMG Guidelines, 2015. Collection method: clinical testing. Allele origin: unknown. Affected: yes.

Ambry Genetics
Classification: Likely benign for Inborn genetic diseases. Last evaluated: 2018-12-20. Review status: criteria provided, single submitter. Criteria: Ambry Variant Classification Scheme 2023. Collection method: clinical testing. Allele origin: germline.

Illumina Laboratory Services, Illumina
Classification: Uncertain significance for Kufor-Rakeb syndrome. Last evaluated: 2018-01-13. Review status: criteria provided, single submitter. Criteria: ICSL Variant Classification Criteria 13 December 2019. Collection method: clinical testing. Allele origin: germline.

Genetic Services Laboratory, University of Chicago
Classification: Uncertain significance. Last evaluated: 2016-07-25. Review status: criteria provided, single submitter. Criteria: ACMG Guidelines, 2015. Collection method: clinical testing. Allele origin: germline. Affected: no.

Eurofins Ntd Llc (ga)
Classification: Uncertain significance. Last evaluated: 2015-09-22. Review status: criteria provided, single submitter. Criteria: EGL Classification Definitions 2015. Collection method: clinical testing. Allele origin: germline. Observed: 1 variant allele, 1 heterozygote.

PreventionGenetics, part of Exact Sciences
Classification: Likely benign for ATP13A2-related condition. Last evaluated: 2019-08-29. Review status: no assertion criteria provided. Collection method: clinical testing. Allele origin: germline. Not counted in ClinVar's aggregate classification.
Comment: This variant is classified as likely benign based on ACMG/AMP sequence variant interpretation guidelines (Richards et al. 2015 PMID: 25741868, with internal and published modifications).

Dr. Peter K. Rogan Lab, Western University
No classification provided (evidence only). Condition: Melanoma. Review status: no classification provided. Collection method: in vitro. Allele origin: not applicable. Functional consequence: retained intron. Not counted in ClinVar's aggregate classification.

Dr. Peter K. Rogan Lab, Western University
No classification provided (evidence only). Condition: Melanoma. Review status: no classification provided. Collection method: in vitro. Allele origin: not applicable. Functional consequence: retained intron. Not counted in ClinVar's aggregate classification.

Dr. Peter K. Rogan Lab, Western University
No classification provided (evidence only). Condition: Sarcoma. Review status: no classification provided. Collection method: in vitro. Allele origin: not applicable. Functional consequence: retained intron. Not counted in ClinVar's aggregate classification.

Dr. Peter K. Rogan Lab, Western University
No classification provided (evidence only). Condition: Gastric cancer. Review status: no classification provided. Collection method: in vitro. Allele origin: not applicable. Functional consequence: retained intron. Not counted in ClinVar's aggregate classification.